The following is an entry in ClinVar:

ClinVar aggregate classification (germline): Uncertain significance (1 of 4 stars; one submission).

Conditions:
Inborn genetic diseases. Identifiers: MedGen C0950123, MeSH D030342.

Submission:

Ambry Genetics
Classification: Uncertain significance for Inborn genetic diseases. Last evaluated: 2025-12-05. Review status: criteria provided, single submitter. Criteria: Ambry Variant Classification Scheme 2023. Collection method: clinical testing. Allele origin: germline.
Comment: The p.E481D variant (also known as c.1443A>T), located in coding exon 13 of the KDM1A gene, results from an A to T substitution at nucleotide position 1443. The glutamic acid at codon 481 is replaced by aspartic acid, an amino acid with highly similar properties. This amino acid position is conserved. In addition, this alteration is predicted to be tolerated by in silico analysis. Based on the available evidence, the clinical significance of this variant remains unclear.

NM_001009999.3(KDM1A):c.1443A>T (p.Glu481Asp)

Gene: KDM1A (lysine demethylase 1A; plus strand). Cytogenetic location: 1p36.12.
Variant type: single nucleotide variant.
Coding change: c.1443A>T on transcript NM_001009999.3 (MANE Select); coding-DNA position 1443, A replaced by T.
Protein change: p.Glu481Asp; replaces glutamic acid 481 with aspartic acid.
Molecular consequence: missense variant.
Genome position (GRCh38, 1-based): chr1:23,071,254, A>T. VCF-style: chr1-23071254-A-T. GRCh37 (hg19) VCF-style: chr1-23397747-A-T.
Other names: c.1371A>T, p.Glu457Asp (NM_001363654.2, NM_001410763.1, NM_015013.4); c.1431A>T, p.Glu477Asp (NM_001410762.1); short protein forms E481D, E477D, E457D.
Identifiers: ClinVar variation 4622738 (VCV004622738.1).
Genomic context (GRCh38, chr1:23,071,254, plus strand): 5'-GGAATGGTAAATTTGTATTTTTCCTTCTTAGATGGTAAATTTGAAAGAGAAAATTAAAGA[A>T]CTCCATCAGCAATACAAAGAAGCATCTGAAGTAAAGCCACCCAGAGATATTACTGCCGAG-3'
Protein context (NP_001009999.1, residues 471-491): KMVNLKEKIK[Glu481Asp]LHQQYKEASE